The following is an entry in ClinVar:

ClinVar aggregate classification (germline): Conflicting classifications of pathogenicity. Review status: criteria provided, conflicting classifications (1 of 4 stars). 9 submissions from 9 submitters: Uncertain significance (5); Likely benign (4). Last evaluated 2026-08-01.

Conditions:
Cardiovascular phenotype. Identifiers: MedGen CN230736.
Ehlers-Danlos syndrome (EDS). Identifiers: Orphanet 98249, MedGen C0013720, MONDO:0020066.
ZNF469-related disorder. Also called: ZNF469-related condition.

Allele frequency attached by ClinVar (database versions not stated): gnomAD exomes 0.00018 and 0.00024; gnomAD 0.00025 and 0.00026; ExAC 0.00044; TOPMed 0.00044.
gnomAD v4.1: 293 of 1,547,914 alleles (0.019%); highest among the groups gnomAD compares: Admixed American, 0.1%; no homozygotes.

Submissions (9):

CeGaT Center for Human Genetics Tuebingen
Classification: Likely benign. Last evaluated: 2026-08-01. Review status: criteria provided, single submitter. Criteria: CeGaT Center For Human Genetics Tuebingen Variant Classification Criteria Version 2. Collection method: clinical testing. Allele origin: germline. Affected: yes. Observed: 2 variant alleles.
Comment: ZNF469: BP4

Women's Health and Genetics/Laboratory Corporation of America, LabCorp
Classification: Uncertain significance. Last evaluated: 2026-03-31. Review status: criteria provided, single submitter. Criteria: LabCorp Variant Classification Summary - May 2015. Collection method: clinical testing. Allele origin: germline.
Comment: Variant summary: ZNF469 c.4855G>A (p.Glu1619Lys) results in a conservative amino acid change in the encoded protein sequence. Algorithms developed to predict the effect of missense changes on protein structure and function are either unavailable or do not agree on the potential impact of this missense change. The variant allele was found at a frequency of 0.00024 in 149366 control chromosomes. This frequency is not significantly higher than estimated for disease-causing variants in ZNF469, allowing no conclusion about variant significance. To our knowledge, no occurrence of c.4855G>A in individuals affected with ZNF469-related conditions and no experimental evidence demonstrating its impact on protein function have been reported. ClinVar contains an entry for this variant (Variation ID: 513135). Based on the evidence outlined above, the variant was classified as uncertain significance.

PreventionGenetics, part of Exact Sciences
Classification: Likely benign for ZNF469-related condition. Last evaluated: 2025-11-03. Review status: criteria provided, single submitter. Criteria: ACMG Guidelines, 2015. Collection method: clinical testing. Allele origin: germline.
Comment: This variant is classified as likely benign based on ACMG/AMP sequence variant interpretation guidelines (Richards et al. 2015 PMID: 25741868, with internal and published modifications).

Blueprint Genetics
Classification: Uncertain significance. Last evaluated: 2024-10-15. Review status: criteria provided, single submitter. Criteria: ACMG Guidelines, 2015. Collection method: clinical testing. Allele origin: germline.

Labcorp Genetics (formerly Invitae), Labcorp
Classification: Uncertain significance. Last evaluated: 2022-09-29. Review status: criteria provided, single submitter. Criteria: Invitae Variant Classification Sherloc (09022015). Collection method: clinical testing. Allele origin: germline.
Comment: This sequence change replaces glutamic acid, which is acidic and polar, with lysine, which is basic and polar, at codon 1591 of the ZNF469 protein (p.Glu1591Lys). This variant is present in population databases (rs759327672, gnomAD 0.06%). This variant has not been reported in the literature in individuals affected with ZNF469-related conditions. ClinVar contains an entry for this variant (Variation ID: 513135). Algorithms developed to predict the effect of missense changes on protein structure and function output the following: SIFT: "Tolerated"; PolyPhen-2: "Benign"; Align-GVGD: "Class C0". The lysine amino acid residue is found in multiple mammalian species, which suggests that this missense change does not adversely affect protein function. In summary, the available evidence is currently insufficient to determine the role of this variant in disease. Therefore, it has been classified as a Variant of Uncertain Significance.

GeneDx
Classification: Likely benign. Last evaluated: 2020-06-08. Review status: criteria provided, single submitter. Criteria: GeneDx Variant Classification Process June 2021. Collection method: clinical testing. Allele origin: germline. Affected: yes.

Genome Diagnostics Laboratory, The Hospital for Sick Children
Classification: Uncertain significance for Ehlers-Danlos syndrome. Last evaluated: 2020-02-01. Review status: criteria provided, single submitter. Criteria: ACMG Guidelines, 2015. Collection method: clinical testing. Allele origin: germline.

Ambry Genetics
Classification: Likely benign for Cardiovascular phenotype. Last evaluated: 2019-09-24. Review status: criteria provided, single submitter. Criteria: Ambry Variant Classification Scheme 2023. Collection method: clinical testing. Allele origin: germline.

Genetic Services Laboratory, University of Chicago
Classification: Uncertain significance. Last evaluated: 2017-06-29. Review status: criteria provided, single submitter. Criteria: ACMG Guidelines, 2015. Collection method: clinical testing. Allele origin: germline. Affected: no.

Literature cited by the submitters: PubMed 35982159 (cited by Women's Health and Genetics/Laboratory Corporation of America, LabCorp).

NM_001367624.2(ZNF469):c.4855G>A (p.Glu1619Lys)

Gene: ZNF469 (zinc finger protein 469; plus strand). Cytogenetic location: 16q24.2.
Variant type: single nucleotide variant.
Coding change: c.4855G>A on transcript NM_001367624.2 (MANE Select); coding-DNA position 4855, G replaced by A.
Protein change: p.Glu1619Lys; replaces glutamic acid 1619 with lysine.
Molecular consequence: missense variant.
Genome position (GRCh38, 1-based): chr16:88,432,325, G>A. VCF-style: chr16-88432325-G-A. GRCh37 (hg19) VCF-style: chr16-88498733-G-A.
Other names: NM_001127464.1:c.4771G>A; NM_001127464.2:c.4771G>A; short protein forms E1619K.
Identifiers: ClinVar variation 513135 (VCV000513135.54), dbSNP rs759327672, ClinGen allele CA8225013.